The following is an entry in ClinVar:

ClinVar aggregate classification (germline): Uncertain significance (1 of 4 stars; one submission).

Allele frequency attached by ClinVar (database versions not stated): gnomAD exomes below 0.00001; ExAC 0.00001.
gnomAD v4.1: 2 of 1,614,148 alleles (0.00012%); highest among the groups gnomAD compares: Admixed American, 0.0017%; no homozygotes.

Submission:

Labcorp Genetics (formerly Invitae), Labcorp
Classification: Uncertain significance. Last evaluated: 2023-02-18. Review status: criteria provided, single submitter. Criteria: Invitae Variant Classification Sherloc (09022015). Collection method: clinical testing. Allele origin: germline.
Comment: This sequence change replaces proline, which is neutral and non-polar, with serine, which is neutral and polar, at codon 1064 of the TRRAP protein (p.Pro1064Ser). In summary, the available evidence is currently insufficient to determine the role of this variant in disease. Therefore, it has been classified as a Variant of Uncertain Significance. An algorithm developed to predict the effect of missense changes on protein structure and function (PolyPhen-2) suggests that this variant is likely to be tolerated. This variant has not been reported in the literature in individuals affected with TRRAP-related conditions. This variant is present in population databases (rs781853860, gnomAD 0.003%).

NM_001375524.1(TRRAP):c.3190C>T (p.Pro1064Ser)

Gene: TRRAP (transformation/transcription domain associated protein; plus strand). Cytogenetic location: 7q22.1.
Variant type: single nucleotide variant.
Coding change: c.3190C>T on transcript NM_001375524.1 (MANE Select); coding-DNA position 3190, C replaced by T.
Protein change: p.Pro1064Ser; replaces proline 1064 with serine.
Molecular consequence: missense variant.
Genome position (GRCh38, 1-based): chr7:98,930,003, C>T. VCF-style: chr7-98930003-C-T. GRCh37 (hg19) VCF-style: chr7-98527626-C-T.
Other names: c.3190C>T, p.Pro1064Ser (NM_001244580.2, NM_003496.4); short protein forms P1064S.
Identifiers: ClinVar variation 2091236 (VCV002091236.4), dbSNP rs781853860, ClinGen allele CA4359953.
Genomic context (GRCh38, chr7:98,930,003, plus strand): 5'-TGAGGGACAAGACTGTTCTCACGTGCCTTCCCATCTCTCCTTTTAGGCCCTTTCTTGCTG[C>T]CTTGCTACCAGGTGGGCAGCCAGCCCAGCACAGCCATGTTTCACAGTGAAGAAAATGGCT-3'
Protein context (NP_001362453.1, residues 1054-1074): VAQQCGPFLL[Pro1064Ser]CYQVGSQPST